The following is an entry in ClinVar:

NM_001429.4(EP300):c.6350C>T (p.Thr2117Ile)

Gene: EP300 (EP300 lysine acetyltransferase; plus strand). Cytogenetic location: 22q13.2.
Variant type: single nucleotide variant.
Coding change: c.6350C>T on transcript NM_001429.4 (MANE Select); coding-DNA position 6350, C replaced by T.
Protein change: p.Thr2117Ile; replaces threonine 2117 with isoleucine.
Molecular consequence: missense variant.
Genome position (GRCh38, 1-based): chr22:41,178,061, C>T. VCF-style: chr22-41178061-C-T. GRCh37 (hg19) VCF-style: chr22-41574065-C-T.
Other names: c.6272C>T, p.Thr2091Ile (NM_001362843.2); short protein forms T2091I, T2117I.
Identifiers: ClinVar variation 1030397 (VCV001030397.2), dbSNP rs2059213237, ClinGen allele CA411681775.
Genomic context (GRCh38, chr22:41,178,061, plus strand): 5'-CACAACCCATCCCTGGGCAGCCTGGCATGCCCCAGGGGCAGCCAGGGCTACAGCCACCTA[C>T]CATGCCAGGTCAGCAGGGGGTCCACTCCAATCCAGCCATGCAGAACATGAATCCAATGCA-3'
Protein context (NP_001420.2, residues 2107-2127): PQGQPGLQPP[Thr2117Ile]MPGQQGVHSN

ClinVar aggregate classification (germline): Uncertain significance. Review status: criteria provided, multiple submitters, no conflicts (2 of 4 stars). 2 submissions from 2 submitters: Uncertain significance (2). Last evaluated 2025-11-10.

Conditions:
Rubinstein-Taybi syndrome due to EP300 haploinsufficiency. Also called: EP300-Related Rubinstein-Taybi Syndrome; RUBINSTEIN-TAYBI SYNDROME 2. Identifiers: Orphanet 353284, Orphanet 783, MedGen C3150941, MONDO:0013364, OMIM 613684.

Submissions (2):

Labcorp Genetics (formerly Invitae), Labcorp
Classification: Uncertain significance for Rubinstein-Taybi syndrome due to EP300 haploinsufficiency. Last evaluated: 2025-11-10. Review status: criteria provided, single submitter. Criteria: Invitae Variant Classification Sherloc (09022015). Collection method: clinical testing. Allele origin: germline.
Comment: This sequence change replaces threonine, which is neutral and polar, with isoleucine, which is neutral and non-polar, at codon 2117 of the EP300 protein (p.Thr2117Ile). This variant is not present in population databases (gnomAD no frequency). This variant has not been reported in the literature in individuals affected with EP300-related conditions. ClinVar contains an entry for this variant (Variation ID: 1030397). Invitae Evidence Modeling of protein sequence and biophysical properties (such as structural, functional, and spatial information, amino acid conservation, physicochemical variation, residue mobility, and thermodynamic stability) indicates that this missense variant is not expected to disrupt EP300 protein function with a negative predictive value of 95%. In summary, the available evidence is currently insufficient to determine the role of this variant in disease. Therefore, it has been classified as a Variant of Uncertain Significance.

Baylor Genetics
Classification: Uncertain significance for Rubinstein-Taybi syndrome due to EP300 haploinsufficiency. Last evaluated: 2020-05-05. Review status: criteria provided, single submitter. Criteria: ACMG Guidelines, 2015. Collection method: clinical testing. Allele origin: unknown. Affected: yes.
Comment: This variant was determined to be of uncertain significance according to ACMG Guidelines, 2015 [PMID:25741868].